The following continues an entry in ClinVar:

NM_000179.3(MSH6):c.3847_3850dup (p.Thr1284fs)

Gene: MSH6. ClinVar aggregate classification (germline): Pathogenic. Pathogenic (1).

Submissions 12 to 20 of 20:

All of Us Research Program, National Institutes of Health
Classification: Pathogenic for Lynch syndrome. Last evaluated: 2024-09-13. Review status: criteria provided, single submitter. Criteria: ACMG Guidelines, 2015. Collection method: clinical testing. Allele origin: germline. Inheritance: Autosomal dominant inheritance. Observed: 2 variant alleles, 2 heterozygotes. Not counted in ClinVar's aggregate classification.
Comment: This variant inserts 4 nucleotides in exon 9 of the MSH6 gene, creating a frameshift and premature translation stop signal. This variant is expected to result in an absent or non-functional protein product. This variant is also described as c.3850_3851insATTA in the literature. This variant has been reported in individuals affected with Lynch syndrome-associated cancers, with several tumors showing high microsatellite instability and/or loss of MSH6 protein via immunohistochemistry analysis (PMID: 21836479, 22495361). However, some tumors were observed to have normal immunohistochemistry results for MSH6 protein (PMID: 22495361). This variant has also been reported in individuals from Lynch syndrome or suspected Lynch syndrome families (PMID: 18566915, 20028993). This variant has not been identified in the general population by the Genome Aggregation Database (gnomAD). Loss of MSH6 function is a known mechanism of disease. Based on the available evidence, this variant is classified as Pathogenic.

This study involves interpretation of variants in research participants for the purpose of population health screening. Participant phenotype was not available at the time of variant classification. Additional details can be found in publication PMID: 35346344, PMCID: PMC8962531

Revvity Omics, Revvity
Classification: Pathogenic. Last evaluated: 2024-09-05. Review status: criteria provided, single submitter. Criteria: ACMG Guidelines, 2015. Collection method: clinical testing. Allele origin: germline. Not counted in ClinVar's aggregate classification.

Color Diagnostics, LLC DBA Color Health
Classification: Pathogenic for Hereditary cancer-predisposing syndrome. Last evaluated: 2024-03-04. Review status: criteria provided, single submitter. Criteria: ACMG Guidelines, 2015. Collection method: clinical testing. Allele origin: germline. Not counted in ClinVar's aggregate classification.
Comment: This variant inserts 4 nucleotides in exon 9 of the MSH6 gene, creating a frameshift and premature translation stop signal. This variant is expected to result in an absent or non-functional protein product. This variant is also described as c.3850_3851insATTA in the literature. This variant has been reported in individuals affected with Lynch syndrome-associated cancers, with several tumors showing high microsatellite instability and/or loss of MSH6 protein via immunohistochemistry analysis (PMID: 21836479, 22495361). However, some tumors were observed to have normal immunohistochemistry results for MSH6 protein (PMID: 22495361). This variant has also been reported in individuals from Lynch syndrome or suspected Lynch syndrome families (PMID: 18566915, 20028993). This variant has not been identified in the general population by the Genome Aggregation Database (gnomAD). Loss of MSH6 function is a known mechanism of disease. Based on the available evidence, this variant is classified as Pathogenic.

Myriad Genetics, Inc.
Classification: Pathogenic for Lynch syndrome 5. Last evaluated: 2023-03-29. Review status: criteria provided, single submitter. Criteria: Myriad Autosomal Dominant, Autosomal Recessive and X-Linked Classification Criteria (2023). Collection method: clinical testing. Allele origin: unknown. Not counted in ClinVar's aggregate classification.
Comment: This variant is considered pathogenic. This variant creates a frameshift predicted to result in premature protein truncation.

Women's Health and Genetics/Laboratory Corporation of America, LabCorp
Classification: Pathogenic for Hereditary nonpolyposis colon cancer. Last evaluated: 2021-05-10. Review status: criteria provided, single submitter. Criteria: LabCorp Variant Classification Summary - May 2015. Collection method: clinical testing. Allele origin: germline. Not counted in ClinVar's aggregate classification.
Comment: Variant summary: MSH6 c.3847_3850dupATTA (p.Thr1284AsnfsX6) results in a premature termination codon, predicted to cause a truncation of the encoded protein or absence of the protein due to nonsense mediated decay, which are commonly known mechanisms for disease. Truncations downstream of this position have been classified as pathogenic by our laboratory. The variant was absent in 250872 control chromosomes. c.3847_3850dupATTA has been reported in the literature in individuals affected with Lynch Syndrome (e.g. Nilbert_2009, Okkels_2012). These data indicate that the variant is likely to be associated with disease. Five clinical diagnostic laboratories have submitted clinical-significance assessments for this variant to ClinVar after 2014 without evidence for independent evaluation. All laboratories classified the variant as pathogenic. Based on the evidence outlined above, the variant was classified as pathogenic.

HudsonAlpha Institute for Biotechnology
Classification: Pathogenic for Lynch syndrome 5. Last evaluated: 2018-09-11. Review status: criteria provided, single submitter. Criteria: ACMG Guidelines, 2015. Collection method: research. Allele origin: unknown. Observed: 1 variant allele. Study: AGHI_GT. Not counted in ClinVar's aggregate classification.

Laboratory for Molecular Medicine, Mass General Brigham Personalized Medicine
Classification: Pathogenic for Lynch syndrome. Last evaluated: 2017-05-12. Review status: criteria provided, single submitter. Criteria: ACMG Guidelines, 2015. Collection method: clinical testing. Allele origin: germline. Inheritance: Autosomal dominant inheritance. Not counted in ClinVar's aggregate classification.
Comment: The p.Thr1284fs variant in MSH6 has been reported in 1 individual with MSH6-associated cancers (Nilbert 2009) and was absent from large population studies. This variant is predicted to cause a frameshift, which alters the protein’s amino acid sequence beginning at position 1284 and leads to a premature termination codon 6 amino acids downstream. This alteration is then predicted to lead to a truncated or absent protein. Heterozygous loss of function of the MSH6 gene is an established disease mechanism in Lynch Syndrome. Furthermore, this variant was classified as Pathogenic on Sept. 5, 2013 by the ClinGen-approved InSiGHT Expert Panel (ClinVar SCV000108157.2). In summary, this variant meets criteria to be classified as pathogenic for Lynch Syndrome in an autosomal dominant manner.

Counsyl
Classification: Pathogenic for Lynch syndrome 5. Last evaluated: 2016-12-28. Review status: no assertion criteria provided. Collection method: clinical testing. Allele origin: unknown. Not counted in ClinVar's aggregate classification.

Department of Pathology and Laboratory Medicine, Sinai Health System
Classification: Pathogenic for Endometrial carcinoma. Review status: no assertion criteria provided. Collection method: clinical testing. Allele origin: unknown. Affected: yes. Study: The Canadian Open Genetics Repository (COGR). Not counted in ClinVar's aggregate classification.
Comment: The MSH6 p.Thr1284Asnfs*6 variant was identified in the literature, although the frequency of this variant in an affected population was not provided (Espenschied 2017). The variant was also identified in dbSNP (ID: rs866771359) as "With Pathogenic allele" and ClinVar (classified as pathogenic by Ambry Genetics and Invitae). The variant was not identified in UMD-LSDB. The variant was not identified in the following control databases: the Exome Aggregation Consortium (August 8th 2016) or the Genome Aggregation Database (Feb 27, 2017). This variant was identified by our laboratory in at least one patient with MSH6-deficient endometrial cancer. The c.3847_3850dup variant is predicted to cause a frameshift, which alters the protein's amino acid sequence beginning at codon 1284 and leads to a premature stop codon at position 1289. This alteration is then predicted to result in a truncated or absent protein and loss of function. Loss of function variants of the MSH6 gene are an established mechanism of disease in Lynch syndrome and is the type of variant expected to cause the disorder. In summary, based on the above information, this variant meets our laboratoryâ€šÃ„Ã´s criteria to be classified as pathogenic.

Literature cited by the submitters: PubMed 18269114 (cited by Labcorp Genetics (formerly Invitae), Labcorp); PubMed 24362816 (cited by Labcorp Genetics (formerly Invitae), Labcorp); PubMed 22495361 (cited by 7 submitters); PubMed 18566915 (cited by 5 submitters); PubMed 21836479 (cited by 4 submitters); PubMed 20028993 (cited by 3 submitters).